The following is an entry in ClinVar:

ClinVar aggregate classification (germline): Likely benign. Review status: reviewed by expert panel (3 of 4 stars). 4 submissions from 4 submitters: Likely benign (1). 3 of the submissions do not count toward it. Last evaluated 2025-01-09.

Conditions:
SGCG-related disorder. Also called: SGCG-related condition.
Autosomal recessive limb-girdle muscular dystrophy. Identifiers: Orphanet 102015, MedGen C2931907, MONDO:0015152.
Autosomal recessive limb-girdle muscular dystrophy type 2C (LGMDR5). Also called: MUSCULAR DYSTROPHY, DUCHENNE-LIKE; MUSCULAR DYSTROPHY, LIMB-GIRDLE, AUTOSOMAL RECESSIVE 5. Identifiers: Orphanet 353, MedGen C0410173, MONDO:0009677, OMIM 253700. Disease mechanism: Affects gamma-sarcoglycan and also disrupts the integrity of the entire sarcoglycan complex..

Submissions (4):

ClinGen Limb Girdle Muscular Dystrophy Variant Curation Expert Panel, ClinGen
Classification: Likely benign for Autosomal recessive limb-girdle muscular dystrophy. Last evaluated: 2025-01-09. Review status: reviewed by expert panel. Criteria: ClinGen LGMD VCEP ACMG Specifications SGCG V1.0.0. Collection method: curation. Allele origin: germline. Inheritance: Autosomal recessive inheritance.
Comment: The NM_000231.3: c.196-7_196-6del variant in SGCG is an intronic deletion. The filtering allele frequency for this variant is 0.001107 for the African/African American population in gnomAD v4.1.0 (the lower threshold of the 95% CI of 38/25708 exome chromosomes), which is greater than the ClinGen LGMD VCEP threshold of 0.0009 for BS1, and therefore meets this criterion (BS1). The SpliceAI prediction score for this variant is 0, which is less than the LGMD threshold of 0.05 for this criterion (BP4). Because this variant occurs in a splice region (+7/-21), BP7 is not applicable. In summary, this variant meets the criteria to be classified as Likely benign for autosomal recessive limb girdle muscular dystrophy based on the ACMG/AMP criteria applied, as specified by the LGMD VCEP (LGMD VCEP specifications version 1.0.0; 01/09/2025): BS1, BP4.

Labcorp Genetics (formerly Invitae), Labcorp
Classification: Benign for Autosomal recessive limb-girdle muscular dystrophy type 2C. Last evaluated: 2023-04-10. Review status: criteria provided, single submitter. Criteria: Invitae Variant Classification Sherloc (09022015). Collection method: clinical testing. Allele origin: germline. Not counted in ClinVar's aggregate classification.

Eurofins Ntd Llc (ga)
Classification: Likely benign. Last evaluated: 2015-11-18. Review status: criteria provided, single submitter. Criteria: EGL Classification Definitions 2015. Collection method: clinical testing. Allele origin: germline. Observed: 5 variant alleles, 2 heterozygotes, 1 homozygote. Not counted in ClinVar's aggregate classification.

PreventionGenetics, part of Exact Sciences
Classification: Likely benign for SGCG-related condition. Last evaluated: 2019-09-17. Review status: no assertion criteria provided. Collection method: clinical testing. Allele origin: germline. Not counted in ClinVar's aggregate classification.
Comment: This variant is classified as likely benign based on ACMG/AMP sequence variant interpretation guidelines (Richards et al. 2015 PMID: 25741868, with internal and published modifications).

NM_000231.3(SGCG):c.196-7_196-6del

Gene: SGCG (sarcoglycan gamma; plus strand). Cytogenetic location: 13q12.12.
Variant type: Deletion.
Coding change: c.196-7_196-6del on transcript NM_000231.3 (MANE Select); 7 bases into the intron before coding-DNA position 196 through 6 bases into the intron before coding-DNA position 196, 2 bases deleted (TT; older notation c.196-7_196-6delTT).
Molecular consequence: intron variant.
Genome position (GRCh38, 1-based): chr13:23,234,604-23,234,605, TT deleted; deleting any 2 consecutive bases within chr13:23,234,594-23,234,605 gives the same sequence; the c. name uses the placement nearest the transcript's 3' end. VCF-style (leftmost placement, unchanged base first): chr13-23234593-CTT-C. GRCh37 (hg19) VCF-style: chr13-23808732-CTT-C.
Other names: c.250-7_250-6del (NM_001378244.1); c.196-7_196-6del (NM_001378245.1, NM_001378246.1); c.196-7_196-6delTT (NM_000231.2).
Identifiers: ClinVar variation 281141 (VCV000281141.11), dbSNP rs568365779, ClinGen allele CA6909604.